The following is an entry in ClinVar:

NM_001267550.2(TTN):c.4412G>A (p.Gly1471Glu)

Genes: TTN (titin; minus strand), LOC101927055 (uncharacterized LOC101927055; plus strand). Cytogenetic location: 2q31.2.
Variant type: single nucleotide variant.
Coding change: c.4412G>A on transcript NM_001267550.2 (MANE Select); coding-DNA position 4412, G replaced by A.
Protein change: p.Gly1471Glu; replaces glycine 1471 with glutamic acid.
Molecular consequence: missense variant. On other transcripts: non-coding transcript variant (1).
Genome position (GRCh38, 1-based): chr2:178,777,772, C>T on the plus strand (G>A on the coding strand, the complement: TTN is on the minus strand). VCF-style: chr2-178777772-C-T. GRCh37 (hg19) VCF-style: chr2-179642499-C-T.
Other names: c.4412G>A, p.Gly1471Glu (NM_001256850.1, NM_133378.4, NM_133379.5); c.4274G>A, p.Gly1425Glu (NM_003319.4, NM_133432.3, NM_133437.4); short protein forms G1425E, G1471E.
Identifiers: ClinVar variation 3769658 (VCV003769658.1).
Genomic context (GRCh38, chr2:178,777,772, plus strand): 5'-AACCAGAACGTCTCTGGCATAGGTCTACCAACAACCTTTAAGTCAAATCTGGCAGTTTGC[C>T]CTTCTAAACATTTGAAAGAAACAGGTTTTAACACAAAGACTGGTTTATATAGTCTCTCAA-3'
Protein context (NP_001254479.2, residues 1461-1481): LKPVSFKCLE[Gly1471Glu]QTARFDLKVV

ClinVar aggregate classification (germline): Uncertain significance (1 of 4 stars; one submission).

gnomAD v4.1: 1 of 1,613,996 alleles (0.000062%); highest among the groups gnomAD compares: Non-Finnish European, 0.000085%; no homozygotes.

Submission:

GeneDx
Classification: Uncertain significance. Last evaluated: 2024-09-13. Review status: criteria provided, single submitter. Criteria: GeneDx Variant Classification Process June 2021. Collection method: clinical testing. Allele origin: germline. Affected: yes.
Comment: Not observed at significant frequency in large population cohorts (gnomAD); Missense variant in a gene in which most reported pathogenic variants are truncating/loss of function; Has not been previously published as pathogenic or benign to our knowledge